The following is an entry in ClinVar:

NM_005515.4(MNX1):c.-11_276del (p.Met1fs)

Gene: MNX1 (motor neuron and pancreas homeobox 1; minus strand). Cytogenetic location: 7q36.3.
Variant type: Deletion.
Coding change: c.-11_276del on transcript NM_005515.4 (MANE Select); 11 bases upstream of the start codon through coding-DNA position 276, 287 bases deleted.
Protein change: p.Met1fs; shifts the reading frame from methionine 1.
Molecular consequence: frameshift variant, initiator codon variant.
Genome position (GRCh38, 1-based): chr7:157,010,075-157,010,361, 287 bases deleted. GRCh37 (hg19): chr7:156,802,773-156,803,059.
Other names: short protein forms M1fs.
Identifiers: ClinVar variation 2663031 (VCV002663031.2), dbSNP rs2537781555, ClinGen allele CA2695199649.

ClinVar aggregate classification (germline): Pathogenic (1 of 4 stars; one submission).

Submission:

GeneDx
Classification: Pathogenic. Last evaluated: 2025-06-26. Review status: criteria provided, single submitter. Criteria: GeneDx Variant Classification Process June 2021. Collection method: clinical testing. Allele origin: germline.
Comment: Initiation codon variant in a gene for which loss of function is a known mechanism of disease; Not observed at significant frequency in large population cohorts (gnomAD); Has not been previously published as pathogenic or benign to our knowledge